The following is an entry in ClinVar:

ClinVar aggregate classification (germline): Uncertain significance (1 of 4 stars; one submission).

Conditions:
Inborn genetic diseases. Identifiers: MedGen C0950123, MeSH D030342.

Submission:

Ambry Genetics
Classification: Uncertain significance for Inborn genetic diseases. Last evaluated: 2024-05-20. Review status: criteria provided, single submitter. Criteria: Ambry Variant Classification Scheme 2023. Collection method: clinical testing. Allele origin: germline.
Comment: The p.I375T variant (also known as c.1124T>C), located in coding exon 8 of the MIB1 gene, results from a T to C substitution at nucleotide position 1124. The isoleucine at codon 375 is replaced by threonine, an amino acid with similar properties. This amino acid position is conserved. In addition, this alteration is predicted to be deleterious by in silico analysis. Based on the available evidence, the clinical significance of this variant remains unclear.

NM_020774.4(MIB1):c.1124T>C (p.Ile375Thr)

Gene: MIB1 (MIB E3 ubiquitin protein ligase 1; plus strand). Cytogenetic location: 18q11.2.
Variant type: single nucleotide variant.
Coding change: c.1124T>C on transcript NM_020774.4 (MANE Select); coding-DNA position 1124, T replaced by C.
Protein change: p.Ile375Thr; replaces isoleucine 375 with threonine.
Molecular consequence: missense variant.
Genome position (GRCh38, 1-based): chr18:21,798,115, T>C. VCF-style: chr18-21798115-T-C. GRCh37 (hg19) VCF-style: chr18-19378076-T-C.
Other names: short protein forms I375T.
Identifiers: ClinVar variation 3294707 (VCV003294707.1).